The following is an entry in ClinVar:

ClinVar aggregate classification (germline): Likely pathogenic (1 of 4 stars; one submission).

Conditions:
Spinocerebellar ataxia type 11 (SCA11). Identifiers: Orphanet 98767, MedGen C1858351, MONDO:0011464, OMIM 604432.

Submission:

Institute of Human Genetics, University of Leipzig Medical Center
Classification: Likely pathogenic for Spinocerebellar ataxia type 11. Last evaluated: 2022-04-01. Review status: criteria provided, single submitter. Criteria: ACMG Guidelines, 2015. Collection method: clinical testing. Allele origin: unknown. Affected: yes.
Comment: _x000D_ Criteria applied: PVS1, PM2_SUP

NM_173500.4(TTBK2):c.1675del (p.Gln559fs)

Gene: TTBK2 (tau tubulin kinase 2; minus strand). Cytogenetic location: 15q15.2.
Variant type: Deletion.
Coding change: c.1675del on transcript NM_173500.4 (MANE Select); coding-DNA position 1675, one base deleted (C; older notation c.1675delC).
Protein change: p.Gln559fs; shifts the reading frame from glutamine 559.
Molecular consequence: frameshift variant.
Genome position (GRCh38, 1-based): chr15:42,775,458, G deleted on the plus strand (C on the coding strand, the reverse complement: TTBK2 is on the minus strand). VCF-style (leftmost placement, unchanged base first): chr15-42775457-TG-T. GRCh37 (hg19) VCF-style: chr15-43067655-TG-T.
Other names: short protein forms Q559fs.
Identifiers: ClinVar variation 1679151 (VCV001679151.1), dbSNP rs2140757755, ClinGen allele CA2573150720.